The following is an entry in ClinVar:

ClinVar aggregate classification (germline): Uncertain significance. Review status: criteria provided, multiple submitters, no conflicts (2 of 4 stars). 2 submissions from 2 submitters: Uncertain significance (2). Last evaluated 2023-11-21.

Conditions:
Inborn genetic diseases. Identifiers: MedGen C0950123, MeSH D030342.
Predisposition to invasive fungal disease due to CARD9 deficiency (IMD103). Also called: IMMUNODEFICIENCY 103, SUSCEPTIBILITY TO FUNGAL INFECTIONS; CARD9 IMMUNODEFICIENCY; Candidiasis, familial, 2, autosomal recessive. Identifiers: Orphanet 457088, MedGen C1859353, MONDO:0008905, OMIM 212050.

Allele frequency attached by ClinVar (database versions not stated): ExAC 0.00001; gnomAD exomes 0.00002; TOPMed 0.00002.
gnomAD v4.1: 15 of 1,605,570 alleles (0.00093%); highest among the groups gnomAD compares: Admixed American, 0.0033%; no homozygotes.

Submissions (2):

Ambry Genetics
Classification: Uncertain significance for Inborn genetic diseases. Last evaluated: 2023-11-21. Review status: criteria provided, single submitter. Criteria: Ambry Variant Classification Scheme 2023. Collection method: clinical testing. Allele origin: germline.

Labcorp Genetics (formerly Invitae), Labcorp
Classification: Uncertain significance for Predisposition to invasive fungal disease due to CARD9 deficiency. Last evaluated: 2022-08-12. Review status: criteria provided, single submitter. Criteria: Invitae Variant Classification Sherloc (09022015). Collection method: clinical testing. Allele origin: germline.
Comment: This sequence change replaces arginine, which is basic and polar, with glutamine, which is neutral and polar, at codon 386 of the CARD9 protein (p.Arg386Gln). This variant is present in population databases (rs752913001, gnomAD 0.006%). This variant has not been reported in the literature in individuals affected with CARD9-related conditions. ClinVar contains an entry for this variant (Variation ID: 1431940). Algorithms developed to predict the effect of missense changes on protein structure and function are either unavailable or do not agree on the potential impact of this missense change (SIFT: "Deleterious"; PolyPhen-2: "Possibly Damaging"; Align-GVGD: "Class C0"). Algorithms developed to predict the effect of sequence changes on RNA splicing suggest that this variant may disrupt the consensus splice site. In summary, the available evidence is currently insufficient to determine the role of this variant in disease. Therefore, it has been classified as a Variant of Uncertain Significance.

NM_052813.5(CARD9):c.1157G>A (p.Arg386Gln)

Gene: CARD9 (caspase recruitment domain family member 9; minus strand). Cytogenetic location: 9q34.3.
Variant type: single nucleotide variant.
Coding change: c.1157G>A on transcript NM_052813.5 (MANE Select); coding-DNA position 1157, G replaced by A.
Protein change: p.Arg386Gln; replaces arginine 386 with glutamine.
Molecular consequence: missense variant.
Genome position (GRCh38, 1-based): chr9:136,367,749, C>T on the plus strand (G>A on the coding strand, the complement: CARD9 is on the minus strand). VCF-style: chr9-136367749-C-T. GRCh37 (hg19) VCF-style: chr9-139262201-C-T.
Other names: c.1157G>A, p.Arg386Gln (NM_052814.4); c.1157G>A (NM_052813.4); short protein forms R386Q.
Identifiers: ClinVar variation 1431940 (VCV001431940.4), dbSNP rs752913001, ClinGen allele CA5332807.